The following is an entry in ClinVar:

ClinVar aggregate classification (germline): Uncertain significance (1 of 4 stars; one submission).

Conditions:
RASopathy. Also called: rasopathies; Noonan spectrum disorder. Identifiers: Orphanet 536391, MedGen C5555857, MONDO:0021060.

Submission:

Labcorp Genetics (formerly Invitae), Labcorp
Classification: Uncertain significance for RASopathy. Last evaluated: 2021-12-02. Review status: criteria provided, single submitter. Criteria: Invitae Variant Classification Sherloc (09022015). Collection method: clinical testing. Allele origin: germline.
Comment: In summary, the available evidence is currently insufficient to determine the role of this variant in disease. Therefore, it has been classified as a Variant of Uncertain Significance. Algorithms developed to predict the effect of missense changes on protein structure and function are either unavailable or do not agree on the potential impact of this missense change (SIFT: "Tolerated"; PolyPhen-2: "Probably Damaging"; Align-GVGD: "Class C0"). This variant has not been reported in the literature in individuals affected with SHOC2-related conditions. This variant is not present in population databases (gnomAD no frequency). This sequence change replaces proline, which is neutral and non-polar, with alanine, which is neutral and non-polar, at codon 528 of the SHOC2 protein (p.Pro528Ala).

NM_007373.4(SHOC2):c.1582C>G (p.Pro528Ala)

Gene: SHOC2 (SHOC2 leucine rich repeat scaffold protein; plus strand). Cytogenetic location: 10q25.2.
Variant type: single nucleotide variant.
Coding change: c.1582C>G on transcript NM_007373.4 (MANE Select); coding-DNA position 1582, C replaced by G.
Protein change: p.Pro528Ala; replaces proline 528 with alanine.
Molecular consequence: missense variant. On other transcripts: non-coding transcript variant (1).
Genome position (GRCh38, 1-based): chr10:111,011,651, C>G. VCF-style: chr10-111011651-C-G. GRCh37 (hg19) VCF-style: chr10-112771409-C-G.
Other names: c.1444C>G, p.Pro482Ala (NM_001269039.3); c.1582C>G, p.Pro528Ala (NM_001324336.2, NM_001324337.2); short protein forms P482A, P528A.
Identifiers: ClinVar variation 1411274 (VCV001411274.6), dbSNP rs869025524, ClinGen allele CA378526020.